The following is an entry in ClinVar:

ClinVar aggregate classification (germline): Uncertain significance (1 of 4 stars; one submission).

Conditions:
Arrhinia with choanal atresia and microphthalmia syndrome. Also called: ARHINIA, CHOANAL ATRESIA, MICROPHTHALMIA, AND HYPOGONADOTROPIC HYPOGONADISM; Arrhinia-choanal atresia-microphthalmia syndrome; Arhinia, choanal atresia, and microphthalmia. Identifiers: Orphanet 1135, Orphanet 2250, MedGen C1863878, MONDO:0011323, OMIM 603457.

Submission:

Baylor Genetics
Classification: Uncertain significance for Arrhinia with choanal atresia and microphthalmia syndrome. Last evaluated: 2019-09-12. Review status: criteria provided, single submitter. Criteria: ACMG Guidelines, 2015. Collection method: clinical testing. Allele origin: unknown. Affected: yes.
Comment: This variant was determined to be of uncertain significance according to ACMG Guidelines, 2015 [PMID:25741868].

NM_015295.3(SMCHD1):c.1504C>G (p.Pro502Ala)

Gene: SMCHD1 (structural maintenance of chromosomes flexible hinge domain containing 1; plus strand). Cytogenetic location: 18p11.32.
Variant type: single nucleotide variant.
Coding change: c.1504C>G on transcript NM_015295.3 (MANE Select); coding-DNA position 1504, C replaced by G.
Protein change: p.Pro502Ala; replaces proline 502 with alanine.
Molecular consequence: missense variant.
Genome position (GRCh38, 1-based): chr18:2,700,775, C>G. VCF-style: chr18-2700775-C-G. GRCh37 (hg19) VCF-style: chr18-2700773-C-G.
Other names: short protein forms P502A.
Identifiers: ClinVar variation 1030486 (VCV001030486.1), dbSNP rs1355109257, ClinGen allele CA401699651.